The following is an entry in ClinVar:

NM_001048174.2(MUTYH):c.1430G>C (p.Cys477Ser)

Gene: MUTYH (mutY DNA glycosylase; minus strand). Cytogenetic location: 1p34.1.
Variant type: single nucleotide variant.
Coding change: c.1430G>C on transcript NM_001048174.2 (MANE Select); coding-DNA position 1430, G replaced by C.
Protein change: p.Cys477Ser; replaces cysteine 477 with serine.
Molecular consequence: missense variant. On other transcripts: non-coding transcript variant (2).
Genome position (GRCh38, 1-based): chr1:45,330,520, C>G on the plus strand (G>C on the coding strand, the complement: MUTYH is on the minus strand). VCF-style: chr1-45330520-C-G. GRCh37 (hg19) VCF-style: chr1-45796192-C-G.
Other names: c.1430G>C, p.Cys477Ser (NM_001048171.2, NM_001048173.2, NM_001293195.2 and 6 more transcripts); c.1433G>C, p.Cys478Ser (NM_001048172.2, NM_001407086.1, NM_001407071.1 and 1 more transcripts); c.1514G>C, p.Cys505Ser (NM_001128425.2); c.1475G>C, p.Cys492Ser (NM_001293190.2); c.1463G>C, p.Cys488Ser (NM_001293191.2, NM_001407069.1, NM_001407077.1); c.1154G>C, p.Cys385Ser (NM_001293192.2, NM_001293196.2, NM_001407091.1); c.1085G>C, p.Cys362Ser (NM_001350650.2, NM_001350651.2, NM_001407082.1); c.1472G>C, p.Cys491Ser (NM_001407083.1, NM_001407085.1); and 5 more; short protein forms C463S, C464S, C477S, C478S, C484S, C502S, C492S, C505S.
Identifiers: ClinVar variation 2000874 (VCV002000874.6), dbSNP rs1064793656, ClinGen allele CA340132310.

ClinVar aggregate classification (germline): Uncertain significance. Review status: criteria provided, multiple submitters, no conflicts (2 of 4 stars). 3 submissions from 3 submitters: Uncertain significance (3). Last evaluated 2025-08-27.

Conditions:
Familial adenomatous polyposis 2. Also called: COLORECTAL ADENOMATOUS POLYPOSIS, AUTOSOMAL RECESSIVE; ADENOMAS, MULTIPLE COLORECTAL, AUTOSOMAL RECESSIVE; Adenomas, multiple colorectal; MYH-associated polyposis; MUTYH-associated polyposis; MUTYH-related attenuated familial adenomatous polyposis. Identifiers: Orphanet 220460, Orphanet 247798, MedGen C3272841, MONDO:0012041, OMIM 608456.
Hereditary cancer-predisposing syndrome. Also called: Neoplastic Syndromes, Hereditary; Tumor predisposition; Hereditary Cancer Syndrome; Hereditary neoplastic syndrome. Identifiers: Orphanet 140162, MedGen C0027672, MeSH D009386, MONDO:0015356.

Submissions (3):

Ambry Genetics
Classification: Uncertain significance for Hereditary cancer-predisposing syndrome. Last evaluated: 2025-08-27. Review status: criteria provided, single submitter. Criteria: Ambry Variant Classification Scheme 2023. Collection method: clinical testing. Allele origin: germline.
Comment: The p.C505S variant (also known as c.1514G>C), located in coding exon 15 of the MUTYH gene, results from a G to C substitution at nucleotide position 1514. The cysteine at codon 505 is replaced by serine, an amino acid with dissimilar properties. This amino acid position is conserved. In addition, this alteration is predicted to be tolerated by in silico analysis. Based on the available evidence, the clinical significance of this variant remains unclear.

Color Diagnostics, LLC DBA Color Health
Classification: Uncertain significance for Hereditary cancer-predisposing syndrome. Last evaluated: 2025-07-17. Review status: criteria provided, single submitter. Criteria: ACMG Guidelines, 2015. Collection method: clinical testing. Allele origin: germline.
Comment: This missense variant replaces cysteine with serine at codon 505 of the MUTYH protein. Computational prediction suggests that this variant may not impact protein structure and function. To our knowledge, functional studies have not been reported for this variant. This variant has not been reported in individuals affected with MUTYH-related disorders in the literature. This variant has not been identified in the general population by the Genome Aggregation Database (gnomAD). The available evidence is insufficient to determine the role of this variant in disease conclusively. Therefore, this variant is classified as a Variant of Uncertain Significance.

Labcorp Genetics (formerly Invitae), Labcorp
Classification: Uncertain significance for Familial adenomatous polyposis 2. Last evaluated: 2022-07-22. Review status: criteria provided, single submitter. Criteria: Invitae Variant Classification Sherloc (09022015). Collection method: clinical testing. Allele origin: germline.
Comment: This variant has not been reported in the literature in individuals affected with MUTYH-related conditions. Algorithms developed to predict the effect of missense changes on protein structure and function (SIFT, PolyPhen-2, Align-GVGD) all suggest that this variant is likely to be tolerated. In summary, the available evidence is currently insufficient to determine the role of this variant in disease. Therefore, it has been classified as a Variant of Uncertain Significance. This sequence change replaces cysteine, which is neutral and slightly polar, with serine, which is neutral and polar, at codon 505 of the MUTYH protein (p.Cys505Ser). This variant is not present in population databases (gnomAD no frequency).